The following is an entry in ClinVar:

NM_000077.5(CDKN2A):c.134G>C (p.Gly45Ala)

Gene: CDKN2A (cyclin dependent kinase inhibitor 2A; minus strand). Cytogenetic location: 9p21.3.
Variant type: single nucleotide variant.
Coding change: c.134G>C on transcript NM_000077.5; coding-DNA position 134, G replaced by C.
Protein change: p.Gly45Ala; replaces glycine 45 with alanine.
Molecular consequence: missense variant (on NM_000077.6). On other transcripts: intron variant (2).
Genome position (GRCh38, 1-based): chr9:21,974,694, C>G on the plus strand (G>C on the coding strand, the complement: CDKN2A is on the minus strand). VCF-style: chr9-21974694-C-G. GRCh37 (hg19) VCF-style: chr9-21974693-C-G.
Other names: c.134G>C, p.Gly45Ala (NM_000077.6, NM_001195132.2, NM_058197.5); c.-3-3486G>C (NM_001363763.2); c.194-3486G>C (NM_058195.4); short protein forms G45A.
Identifiers: ClinVar variation 1054175 (VCV001054175.9), dbSNP rs2131112123, ClinGen allele CA373086501.

ClinVar aggregate classification (germline): Uncertain significance (1 of 4 stars; one submission).

Conditions:
Familial melanoma. Also called: Hereditary melanoma; Hereditary cutaneous melanoma. Identifiers: Orphanet 618, MedGen C1512419, MONDO:0018961.

Submission:

Labcorp Genetics (formerly Invitae), Labcorp
Classification: Uncertain significance for Familial melanoma. Last evaluated: 2020-02-26. Review status: criteria provided, single submitter. Criteria: Invitae Variant Classification Sherloc (09022015). Collection method: clinical testing. Allele origin: germline.
Comment: This sequence change replaces glycine with alanine at codon 45 of the CDKN2A (p16INK4a) protein (p.Gly45Ala). The glycine residue is moderately conserved and there is a small physicochemical difference between glycine and alanine. This variant is not present in population databases (ExAC no frequency). This variant has not been reported in the literature in individuals with CDKN2A (p16INK4a)-related conditions. Algorithms developed to predict the effect of missense changes on protein structure and function are either unavailable or do not agree on the potential impact of this missense change (SIFT: "Deleterious"; PolyPhen-2: "Probably Damaging"; Align-GVGD: "Class C0"). In summary, the available evidence is currently insufficient to determine the role of this variant in disease. Therefore, it has been classified as a Variant of Uncertain Significance.